The following is an entry in ClinVar:

NM_006312.6(NCOR2):c.7359C>T (p.Ser2453=)

Gene: NCOR2 (nuclear receptor corepressor 2; minus strand). Cytogenetic location: 12q24.31.
Variant type: single nucleotide variant.
Coding change: c.7359C>T on transcript NM_006312.6 (MANE Select); coding-DNA position 7359, C replaced by T.
Protein change: p.Ser2453=; no amino-acid change (serine 2453 retained).
Molecular consequence: synonymous variant.
Genome position (GRCh38, 1-based): chr12:124,326,195, G>A on the plus strand (C>T on the coding strand, the complement: NCOR2 is on the minus strand). VCF-style: chr12-124326195-G-A. GRCh37 (hg19) VCF-style: chr12-124810741-G-A.
Other names: c.7191C>T, p.Ser2397= (NM_001077261.4); c.7329C>T, p.Ser2443= (NM_001206654.2).
Identifiers: ClinVar variation 3047964 (VCV003047964.2), dbSNP rs199646358, ClinGen allele CA6867141.

ClinVar aggregate classification (germline): Likely benign (0 of 4 stars; one submission).

Conditions:
NCOR2-related disorder. Also called: NCOR2-related condition.

Allele frequency attached by ClinVar (database versions not stated): ESP Exome Variant Server 0.00009; gnomAD exomes 0.00026; gnomAD 0.00046; TOPMed 0.00058; ExAC 0.00066; 1000 Genomes Project 0.00200; 1000 Genomes Project 30x 0.00219.
gnomAD v4.1: 446 of 1,524,860 alleles (0.029%); highest among the groups gnomAD compares: East Asian, 0.62%; 3 homozygotes.

Submission:

PreventionGenetics, part of Exact Sciences
Classification: Likely benign for NCOR2-related condition. Last evaluated: 2019-02-20. Review status: no assertion criteria provided. Collection method: clinical testing. Allele origin: germline.
Comment: This variant is classified as likely benign based on ACMG/AMP sequence variant interpretation guidelines (Richards et al. 2015 PMID: 25741868, with internal and published modifications).